The following is an entry in ClinVar:

ClinVar aggregate classification (germline): Uncertain significance (1 of 4 stars; one submission).

Submission:

Labcorp Genetics (formerly Invitae), Labcorp
Classification: Uncertain significance. Last evaluated: 2024-10-26. Review status: criteria provided, single submitter. Criteria: Invitae Variant Classification Sherloc (09022015). Collection method: clinical testing. Allele origin: germline.
Comment: This sequence change replaces glutamic acid, which is acidic and polar, with glutamine, which is neutral and polar, at codon 5296 of the ADGRV1 protein (p.Glu5296Gln). This variant is not present in population databases (gnomAD no frequency). This variant has not been reported in the literature in individuals affected with ADGRV1-related conditions. ClinVar contains an entry for this variant (Variation ID: 1493222). Invitae Evidence Modeling of protein sequence and biophysical properties (such as structural, functional, and spatial information, amino acid conservation, physicochemical variation, residue mobility, and thermodynamic stability) indicates that this missense variant is not expected to disrupt ADGRV1 protein function with a negative predictive value of 95%. In summary, the available evidence is currently insufficient to determine the role of this variant in disease. Therefore, it has been classified as a Variant of Uncertain Significance.

NM_032119.4(ADGRV1):c.15886G>C (p.Glu5296Gln)

Gene: ADGRV1 (adhesion G protein-coupled receptor V1; plus strand). Cytogenetic location: 5q14.3.
Variant type: single nucleotide variant.
Coding change: c.15886G>C on transcript NM_032119.4 (MANE Select); coding-DNA position 15886, G replaced by C.
Protein change: p.Glu5296Gln; replaces glutamic acid 5296 with glutamine.
Molecular consequence: missense variant. On other transcripts: non-coding transcript variant (1).
Genome position (GRCh38, 1-based): chr5:90,811,146, G>C. VCF-style: chr5-90811146-G-C. GRCh37 (hg19) VCF-style: chr5-90106963-G-C.
Other names: short protein forms E5296Q.
Identifiers: ClinVar variation 1493222 (VCV001493222.6), dbSNP rs1762406316, ClinGen allele CA360411233.
Genomic context (GRCh38, chr5:90,811,146, plus strand): 5'-TTTCGTGGTATCTATGGGATTTCCAACCTAACATGGGCAGTTGAAGAAGAAGACTTTGAA[G>C]AACAAACTCTTACCCTTATATTCCTAGATGGAGAAAGAGAACGTAAAGTATCAGTTCAAA-3'
Protein context (NP_115495.3, residues 5286-5306): TWAVEEEDFE[Glu5296Gln]QTLTLIFLDG